The following is an entry in ClinVar:

ClinVar aggregate classification (germline): Pathogenic/Likely pathogenic. Review status: criteria provided, multiple submitters, no conflicts (2 of 4 stars). 9 submissions from 9 submitters: Pathogenic (1); Likely pathogenic (5). 3 of the submissions do not count toward it. Last evaluated 2026-08-10.

Conditions:
Autosomal recessive nonsyndromic hearing loss 3. Also called: NEUROSENSORY NONSYNDROMIC RECESSIVE DEAFNESS 3. Identifiers: Orphanet 90636, MedGen C1838263, MONDO:0010860, OMIM 600316.
MYO15A-related disorder. Also called: MYO15A-related condition.

Allele frequency attached by ClinVar (database versions not stated): gnomAD 0.00001 and 0.00002; ExAC 0.00002; gnomAD exomes 0.00002 and 0.00003; TOPMed 0.00002; ESP Exome Variant Server 0.00008.
gnomAD v4.1: 25 of 1,601,796 alleles (0.0016%); highest among the groups gnomAD compares: Admixed American, 0.0068%; no homozygotes.

Submissions (9):

PreventionGenetics, part of Exact Sciences
Classification: Likely pathogenic for MYO15A-related condition. Last evaluated: 2026-08-10. Review status: criteria provided, single submitter. Criteria: ACMG Guidelines, 2015. Collection method: clinical testing. Allele origin: germline.
Comment: The MYO15A c.6787G>A variant is predicted to result in the amino acid substitution p.Gly2263Ser. This variant has been reported in the homozygous state or in combination with a second causative MYO15A variant in individuals with nonsyndromic hearing loss (Yang et al. 2022. PubMed ID: 36401330; Supplementary Tables, Wonkam et al. 2026. PubMed ID: 41876671). This variant is reported in 0.012% of alleles in individuals of Latino descent in gnomAD and has been classified as likely pathogenic or pathogenic in ClinVar (Variation ID: 504632). This variant is interpreted as likely pathogenic.

Women's Health and Genetics/Laboratory Corporation of America, LabCorp
Classification: Likely pathogenic for Autosomal recessive nonsyndromic hearing loss 3. Last evaluated: 2025-01-14. Review status: criteria provided, single submitter. Criteria: LabCorp Variant Classification Summary - May 2015. Collection method: clinical testing. Allele origin: germline.
Comment: Variant summary: MYO15A c.6787G>A (p.Gly2263Ser) results in a non-conservative amino acid change in the encoded protein sequence. Five of five in-silico tools predict a damaging effect of the variant on protein function. The variant allele was found at a frequency of 3.1e-05 in 226754 control chromosomes. c.6787G>A has been reported in the literature in individuals affected with Autosomal Recessive Nonsyndromic Hearing (examples: Sloan-Heggen_2016, ZazoCelia_2016,Schobers_2025, internal data). These data indicate that the variant is likely to be associated with disease. To our knowledge, no experimental evidence demonstrating an impact on protein function has been reported. The following publications have been ascertained in the context of this evaluation (PMID: 39333430, 26969326, 28000701).ClinVar contains an entry for this variant (Variation ID: 504632). Based on the evidence outlined above, the variant was classified as likely pathogenic.

GeneDx
Classification: Likely pathogenic. Last evaluated: 2024-12-17. Review status: criteria provided, single submitter. Criteria: GeneDx Variant Classification Process June 2021. Collection method: clinical testing. Allele origin: germline. Affected: yes.
Comment: In silico analysis supports that this missense variant has a deleterious effect on protein structure/function; This variant is associated with the following publications: (PMID: 36401330, 28000701, 26969326)

Labcorp Genetics (formerly Invitae), Labcorp
Classification: Pathogenic. Last evaluated: 2024-10-30. Review status: criteria provided, single submitter. Criteria: Invitae Variant Classification Sherloc (09022015). Collection method: clinical testing. Allele origin: germline.
Comment: This sequence change replaces glycine, which is neutral and non-polar, with serine, which is neutral and polar, at codon 2263 of the MYO15A protein (p.Gly2263Ser). This variant is present in population databases (rs375459945, gnomAD 0.01%). This missense change has been observed in individuals with deafness (PMID: 26969326, 28000701; internal data). ClinVar contains an entry for this variant (Variation ID: 504632). Invitae Evidence Modeling of protein sequence and biophysical properties (such as structural, functional, and spatial information, amino acid conservation, physicochemical variation, residue mobility, and thermodynamic stability) indicates that this missense variant is expected to disrupt MYO15A protein function with a positive predictive value of 95%. For these reasons, this variant has been classified as Pathogenic.

Wonkam Laboratory, Johns Hopkins University
Classification: Likely pathogenic for Autosomal recessive nonsyndromic hearing loss 3. Last evaluated: 2024-01-06. Review status: criteria provided, single submitter. Criteria: ACMG Guidelines, 2015. Collection method: research. Allele origin: germline. Inheritance: Autosomal recessive inheritance. Affected: yes. Observed: 2 variant alleles.
Comment: This variant MYO15A c.6787G>A (NM_016239.3) is a novel missense change at an amino acid residue where a different missense change determined to be pathogenic has been seen before (PM5), Multiple lines of computational evidence support a deleterious effect on the gene or gene product (conservation, evolutionary, splicing impact, etc.) (PP3), Reputable source recently reports variant as pathogenic, but the evidence is not available to the laboratory to perform an independent evaluation (PP5).

Blueprint Genetics
Classification: Likely pathogenic for MYO15A-related disorders. Last evaluated: 2022-11-09. Review status: criteria provided, single submitter. Criteria: ACMG Guidelines, 2015. Collection method: clinical testing. Allele origin: germline. Affected: yes. Observed: 3 variant alleles.

Clinical Genetics DNA and cytogenetics Diagnostics Lab, Erasmus MC, Erasmus Medical Center
Classification: Likely pathogenic. Review status: no assertion criteria provided. Collection method: clinical testing. Allele origin: germline. Affected: yes. Study: VKGL Data-share Consensus. Not counted in ClinVar's aggregate classification.

Joint Genome Diagnostic Labs from Nijmegen and Maastricht, Radboudumc and MUMC+
Classification: Likely pathogenic. Review status: no assertion criteria provided. Collection method: clinical testing. Allele origin: germline. Affected: yes. Study: VKGL Data-share Consensus. Not counted in ClinVar's aggregate classification.

Laboratory for Molecular Medicine, Mass General Brigham Personalized Medicine
Classification: Uncertain significance. Last evaluated: 2016-08-04. Review status: flagged submission. Criteria: LMM Criteria. Collection method: clinical testing. Allele origin: germline. Observed: 1 variant allele. Not counted in ClinVar's aggregate classification.
Comment: Variant classified as Uncertain Significance - Favor Pathogenic. The p.Gly2263Se r variant in MYO15A has been reported in the compound heterozygous state with a pathogenic MYO15A variant in an individual with hearing loss (Sloan-Heggen 2016) . It has also been identified in 1/52508 European chromosomes by the Exome Aggre gation Consortium (ExAC; dbSNP rs375459945); how ever, this frequency is low enough to be consistent with a recessive carrier fre quency. Computational prediction tools and conservation analyses suggest that th is variant may not impact the protein, though this information is not predictive enough to rule out pathogenicity. In summary, while there is some suspicion for a pathogenic role, the clinical significance of the p.Gly2263Ser variant is unc ertain.
ClinVar note: Reason: Older and outlier claim with insufficient supporting evidence

Literature cited by the submitters: PubMed 26969326 (cited by 3 submitters); PubMed 28000701 (cited by Women's Health and Genetics/Laboratory Corporation of America, LabCorp and Labcorp Genetics (formerly Invitae), Labcorp); PubMed 39333430 (cited by Women's Health and Genetics/Laboratory Corporation of America, LabCorp).

NM_016239.4(MYO15A):c.6787G>A (p.Gly2263Ser)

Gene: MYO15A (myosin XVA; plus strand). Cytogenetic location: 17p11.2.
Variant type: single nucleotide variant.
Coding change: c.6787G>A on transcript NM_016239.4 (MANE Select); coding-DNA position 6787, G replaced by A.
Protein change: p.Gly2263Ser; replaces glycine 2263 with serine.
Molecular consequence: missense variant.
Genome position (GRCh38, 1-based): chr17:18,148,783, G>A. VCF-style: chr17-18148783-G-A. GRCh37 (hg19) VCF-style: chr17-18052097-G-A.
Other names: short protein forms G2263S.
Identifiers: ClinVar variation 504632 (VCV000504632.25), dbSNP rs375459945, ClinGen allele CA8424676.